The following is an entry in ClinVar:

NM_002049.4(GATA1):c.320C>T (p.Ser107Leu)

Gene: GATA1 (GATA binding protein 1; plus strand). Cytogenetic location: Xp11.23.
Variant type: single nucleotide variant.
Coding change: c.320C>T on transcript NM_002049.4 (MANE Select); coding-DNA position 320, C replaced by T.
Protein change: p.Ser107Leu; replaces serine 107 with leucine.
Molecular consequence: missense variant.
Genome position (GRCh38, 1-based): chrX:48,791,943, C>T. VCF-style: chrX-48791943-C-T. GRCh37 (hg19) VCF-style: chrX-48650350-C-T.
Other names: short protein forms S107L.
Identifiers: ClinVar variation 4783759 (VCV004783759.1).

ClinVar aggregate classification (germline): Uncertain significance (1 of 4 stars; one submission).

Conditions:
Diamond-Blackfan anemia. Also called: Blackfan Diamond syndrome; Aregenerative anemia chronic congenital; Red cell aplasia, pure hereditary; Congenital hypoplastic anemia; Aase syndrome. Identifiers: Orphanet 124, MedGen C1260899, MeSH D029503, MONDO:0015253, HP:0004810.
GATA binding protein 1 related thrombocytopenia with dyserythropoiesis. Also called: GATA1-Related Cytopenia; GATA1-Related X-Linked Cytopenia. Identifiers: MedGen C1845837, MONDO:0100089.

Submission:

Labcorp Genetics (formerly Invitae), Labcorp
Classification: Uncertain significance for GATA binding protein 1 related thrombocytopenia with dyserythropoiesis; Diamond-Blackfan anemia. Last evaluated: 2025-08-24. Review status: criteria provided, single submitter. Criteria: Invitae Variant Classification Sherloc (09022015). Collection method: clinical testing. Allele origin: germline.
Comment: This sequence change replaces serine, which is neutral and polar, with leucine, which is neutral and non-polar, at codon 107 of the GATA1 protein (p.Ser107Leu). This variant is not present in population databases (gnomAD no frequency). This variant has not been reported in the literature in individuals affected with GATA1-related conditions. Invitae Evidence Modeling of protein sequence and biophysical properties (such as structural, functional, and spatial information, amino acid conservation, physicochemical variation, residue mobility, and thermodynamic stability) indicates that this missense variant is not expected to disrupt GATA1 protein function with a negative predictive value of 95%. In summary, the available evidence is currently insufficient to determine the role of this variant in disease. Therefore, it has been classified as a Variant of Uncertain Significance.